The following is an entry in ClinVar:

NM_001318525.2(TRAPPC2L):c.375-10C>T

Gene: TRAPPC2L (trafficking protein particle complex subunit 2L; plus strand). Cytogenetic location: 16q24.3.
Variant type: single nucleotide variant.
Coding change: c.375-10C>T on transcript NM_001318525.2 (MANE Select); 10 bases into the intron before coding-DNA position 375, C replaced by T.
Molecular consequence: intron variant. On other transcripts: missense variant (2).
Genome position (GRCh38, 1-based): chr16:88,860,904, C>T. VCF-style: chr16-88860904-C-T. GRCh37 (hg19) VCF-style: chr16-88927312-C-T.
Other names: c.386C>T, p.Ser129Phe (NM_001318524.2); c.293C>T, p.Ser98Phe (NM_001318527.2); c.375-7C>T (NM_016209.5); c.282-7C>T (NM_001318529.2); c.282-10C>T (NM_001318532.2); c.285-7C>T (NM_001318528.2); c.285-10C>T (NM_001318530.2); c.345-10C>T (NM_001318526.2); short protein forms S129F, S98F.
Identifiers: ClinVar variation 3056571 (VCV003056571.2), dbSNP rs111674366, ClinGen allele CA8235797.

ClinVar aggregate classification (germline): Benign (0 of 4 stars; one submission).

Conditions:
TRAPPC2L-related disorder. Also called: TRAPPC2L-related condition.

Allele frequency attached by ClinVar (database versions not stated): ExAC 0.01016; gnomAD 0.01591; ESP Exome Variant Server 0.01782; 1000 Genomes Project 0.01797; TOPMed 0.01838; 1000 Genomes Project 30x 0.01936.
gnomAD v4.1: 4,840 of 1,589,242 alleles (0.3%); highest among the groups gnomAD compares: African/African-American, 5.6%; 124 homozygotes.

Submission:

PreventionGenetics, part of Exact Sciences
Classification: Benign for TRAPPC2L-related condition. Last evaluated: 2019-06-19. Review status: no assertion criteria provided. Collection method: clinical testing. Allele origin: germline.
Comment: This variant is classified as benign based on ACMG/AMP sequence variant interpretation guidelines (Richards et al. 2015 PMID: 25741868, with internal and published modifications).